The following is an entry in ClinVar:

ClinVar aggregate classification (germline): Conflicting classifications of pathogenicity. Review status: criteria provided, conflicting classifications (1 of 4 stars). 2 submissions from 2 submitters: Uncertain significance (1); Likely benign (1). Last evaluated 2023-03-01.

Conditions:
Episodic ataxia type 6. Identifiers: Orphanet 209967, MedGen C2675211, MONDO:0012982, OMIM 612656.

Allele frequency attached by ClinVar (database versions not stated): 1000 Genomes Project 0.00020; 1000 Genomes Project 30x 0.00062; gnomAD 0.00146; TOPMed 0.00160.

Submissions (2):

CeGaT Center for Human Genetics Tuebingen
Classification: Likely benign. Last evaluated: 2023-03-01. Review status: criteria provided, single submitter. Criteria: CeGaT Center For Human Genetics Tuebingen Variant Classification Criteria Version 2. Collection method: clinical testing. Allele origin: germline. Affected: yes. Observed: 2 variant alleles.
Comment: SLC1A3: BS1

Illumina Laboratory Services, Illumina
Classification: Uncertain significance for Episodic ataxia type 6. Last evaluated: 2018-01-13. Review status: criteria provided, single submitter. Criteria: ICSL Variant Classification Criteria 13 December 2019. Collection method: clinical testing. Allele origin: germline.

NM_004172.5(SLC1A3):c.*1206G>A

Genes: SLC1A3 (solute carrier family 1 member 3; plus strand), SLC1A3-AS1 (SLC1A3 antisense RNA 1; minus strand). Cytogenetic location: 5p13.2.
Variant type: single nucleotide variant.
Coding change: c.*1206G>A on transcript NM_004172.5 (MANE Select); 1206 bases downstream of the stop codon, G replaced by A.
Molecular consequence: 3 prime UTR variant.
Genome position (GRCh38, 1-based): chr5:36,687,475, G>A. VCF-style: chr5-36687475-G-A. GRCh37 (hg19) VCF-style: chr5-36687577-G-A.
Other names: c.*1206G>A (NM_001166695.3, NM_001289939.2, NM_001289940.2).
Identifiers: ClinVar variation 353348 (VCV000353348.33), dbSNP rs530235885, ClinGen allele CA10621710.
Genomic context (GRCh38, chr5:36,687,475, plus strand): 5'-TTTTTCTGGCTTTTTTTTTCACCTGAAACACTTTTTCTCGAGTCCAAAATCATTCCCCCC[G>A]TGAAGTCTGCTTACCAAAACATAAGACGACTTATATATTTGAAAGAAGTCAAATGAATGA-3'